The following is an entry in ClinVar:

NM_001378778.1(MPDZ):c.3453G>A (p.Arg1151=)

Gene: MPDZ (multiple PDZ domain crumbs cell polarity complex component; minus strand). Cytogenetic location: 9p23.
Variant type: single nucleotide variant.
Coding change: c.3453G>A on transcript NM_001378778.1 (MANE Select); coding-DNA position 3453, G replaced by A.
Protein change: p.Arg1151=; no amino-acid change (arginine 1151 retained).
Molecular consequence: synonymous variant.
Genome position (GRCh38, 1-based): chr9:13,150,688, C>T on the plus strand (G>A on the coding strand, the complement: MPDZ is on the minus strand). VCF-style: chr9-13150688-C-T. GRCh37 (hg19) VCF-style: chr9-13150687-C-T.
Other names: c.3453G>A, p.Arg1151= (NM_001261406.2, NM_001261407.2, NM_001330637.2 and 13 more transcripts); c.3255G>A, p.Lys1085= (NM_001375427.1); c.3453G>A (NM_003829.3).
Identifiers: ClinVar variation 1919996 (VCV001919996.3), dbSNP rs201441007, ClinGen allele CA4987098.

ClinVar aggregate classification (germline): Conflicting classifications of pathogenicity. Review status: criteria provided, conflicting classifications (1 of 4 stars). 2 submissions from 2 submitters: Uncertain significance (1); Likely benign (1). Last evaluated 2023-12-19.

Conditions:
Inborn genetic diseases. Identifiers: MedGen C0950123, MeSH D030342.

Allele frequency attached by ClinVar (database versions not stated): ESP Exome Variant Server 0.00008; ExAC 0.00001; gnomAD 0.00001; TOPMed 0.00002.
gnomAD v4.1: 25 of 1,336,950 alleles (0.0019%); highest among the groups gnomAD compares: Non-Finnish European, 0.0023%; no homozygotes.

Submissions (2):

Ambry Genetics
Classification: Likely benign for Inborn genetic diseases. Last evaluated: 2023-12-19. Review status: criteria provided, single submitter. Criteria: Ambry Variant Classification Scheme 2023. Collection method: clinical testing. Allele origin: germline.

Labcorp Genetics (formerly Invitae), Labcorp
Classification: Uncertain significance. Last evaluated: 2022-07-16. Review status: criteria provided, single submitter. Criteria: Invitae Variant Classification Sherloc (09022015). Collection method: clinical testing. Allele origin: germline.
Comment: This sequence change affects codon 1151 of the MPDZ mRNA. It is a 'silent' change, meaning that it does not change the encoded amino acid sequence of the MPDZ protein. It affects a nucleotide within the consensus splice site. This variant is present in population databases (rs201441007, gnomAD 0.003%). This variant has not been reported in the literature in individuals affected with MPDZ-related conditions. Algorithms developed to predict the effect of sequence changes on RNA splicing suggest that this variant is not likely to affect RNA splicing. In summary, the available evidence is currently insufficient to determine the role of this variant in disease. Therefore, it has been classified as a Variant of Uncertain Significance.